The following is an entry in ClinVar:

NM_001457.4(FLNB):c.2987T>G (p.Val996Gly)

Gene: FLNB (filamin B; plus strand). Cytogenetic location: 3p14.3.
Variant type: single nucleotide variant.
Coding change: c.2987T>G on transcript NM_001457.4 (MANE Select); coding-DNA position 2987, T replaced by G.
Protein change: p.Val996Gly; replaces valine 996 with glycine.
Molecular consequence: missense variant.
Genome position (GRCh38, 1-based): chr3:58,121,364, T>G. VCF-style: chr3-58121364-T-G. GRCh37 (hg19) VCF-style: chr3-58107091-T-G.
Other names: c.2987T>G (NM_001457.3); c.2987T>G, p.Val996Gly (NM_001164317.2, NM_001164318.2, NM_001164319.2); short protein forms V996G.
Identifiers: ClinVar variation 3605164 (VCV003605164.3).
Genomic context (GRCh38, chr3:58,121,364, plus strand): 5'-AGCTGGACGTGACAATCCTCAGCCCCTCTCGGAAGGTCGTGCCATGCCTAGTGACACCTG[T>G]GACAGGCCGGGAGAACAGCACGGCCAAGTTCATCCCTCGGGAGGAGGGGCTGTATGCTGT-3'
Protein context (NP_001448.2, residues 986-1006): RKVVPCLVTP[Val996Gly]TGRENSTAKF

ClinVar aggregate classification (germline): Uncertain significance. Review status: criteria provided, multiple submitters, no conflicts (2 of 4 stars). 2 submissions from 2 submitters: Uncertain significance (2). Last evaluated 2025-09-29.

Conditions:
Inborn genetic diseases. Identifiers: MedGen C0950123, MeSH D030342.

gnomAD v4.1: 3 of 1,614,060 alleles (0.00019%); highest among the groups gnomAD compares: Non-Finnish European, 0.00025%; no homozygotes.

Submissions (2):

Labcorp Genetics (formerly Invitae), Labcorp
Classification: Uncertain significance. Last evaluated: 2025-09-29. Review status: criteria provided, single submitter. Criteria: Invitae Variant Classification Sherloc (09022015). Collection method: clinical testing. Allele origin: germline.
Comment: This sequence change replaces valine, which is neutral and non-polar, with glycine, which is neutral and non-polar, at codon 996 of the FLNB protein (p.Val996Gly). This variant is not present in population databases (gnomAD no frequency). This variant has not been reported in the literature in individuals affected with FLNB-related conditions. ClinVar contains an entry for this variant (Variation ID: 3605164). Invitae Evidence Modeling of protein sequence and biophysical properties (such as structural, functional, and spatial information, amino acid conservation, physicochemical variation, residue mobility, and thermodynamic stability) indicates that this missense variant is not expected to disrupt FLNB protein function with a negative predictive value of 95%. In summary, the available evidence is currently insufficient to determine the role of this variant in disease. Therefore, it has been classified as a Variant of Uncertain Significance.

Ambry Genetics
Classification: Uncertain significance for Inborn genetic diseases. Last evaluated: 2025-06-22. Review status: criteria provided, single submitter. Criteria: Ambry Variant Classification Scheme 2023. Collection method: clinical testing. Allele origin: germline.